The following is an entry in ClinVar:

ClinVar aggregate classification (germline): Pathogenic. Review status: criteria provided, multiple submitters, no conflicts (2 of 4 stars). 2 submissions from 2 submitters: Pathogenic (2). Last evaluated 2021-10-12.

Conditions:
Neurofibromatosis, type 1 (NF1). Also called: Neurofibromatosis, type I; VON RECKLINGHAUSEN DISEASE; Peripheral type neurofibromatosis; NEUROFIBROMATOSIS, TYPE I, SOMATIC. Identifiers: Orphanet 636, MedGen C0027831, MONDO:0018975, OMIM 162200. Disease mechanism: loss of function.

Submissions (2):

Genetics and Molecular Pathology, SA Pathology
Classification: Pathogenic for Neurofibromatosis, type 1. Last evaluated: 2021-10-12. Review status: criteria provided, single submitter. Criteria: ACMG Guidelines, 2015. Collection method: clinical testing. Allele origin: germline. Affected: yes.

Labcorp Genetics (formerly Invitae), Labcorp
Classification: Pathogenic for Neurofibromatosis, type 1. Last evaluated: 2019-12-04. Review status: criteria provided, single submitter. Criteria: Invitae Variant Classification Sherloc (09022015). Collection method: clinical testing. Allele origin: germline.
Comment: This sequence change creates a premature translational stop signal (p.Tyr333Leufs*7) in the NF1 gene. It is expected to result in an absent or disrupted protein product. This variant is not present in population databases (ExAC no frequency). This variant has not been reported in the literature in individuals with NF1-related conditions. Loss-of-function variants in NF1 are known to be pathogenic (PMID: 10712197, 23913538). For these reasons, this variant has been classified as Pathogenic.

Literature cited by the submitters: PubMed 10712197 (cited by Labcorp Genetics (formerly Invitae), Labcorp); PubMed 23913538 (cited by Labcorp Genetics (formerly Invitae), Labcorp).

NM_001042492.3(NF1):c.997dup (p.Tyr333fs)

Gene: NF1 (neurofibromin 1; plus strand). Cytogenetic location: 17q11.2.
Variant type: Duplication.
Coding change: c.997dup on transcript NM_001042492.3 (MANE Select); coding-DNA position 997, one base duplicated (T; older notation c.997dupT).
Protein change: p.Tyr333fs; shifts the reading frame from tyrosine 333.
Molecular consequence: frameshift variant.
Genome position (GRCh38, 1-based): chr17:31,200,530, T duplicated; the last of 2 consecutive T bases (chr17:31,200,529-31,200,530); duplicating either gives the same sequence. VCF-style (leftmost placement, unchanged base first): chr17-31200528-C-CT. GRCh37 (hg19) VCF-style: chr17-29527546-C-CT.
Other names: c.997dupT (NM_001042492.3); c.997dup, p.Tyr333Leufs (NM_000267.4); c.997dup, p.Tyr333fs (NM_001128147.3); short protein forms Y333fs.
Identifiers: ClinVar variation 834888 (VCV000834888.5), dbSNP rs1567835183, ClinGen allele CA916080588.
Genomic context (GRCh38, chr17:31,200,528, plus strand): 5'-GAAGTAGGCAGCTGACAGAAAGTGCTGCAATTGCCTGTGTCAAACTGTGTAAAGCAAGTA[C>CT]TTACATCAATTGGGAAGATAACTCTGTCATTTTCCTACTTGTTCAGTCCATGGTGGTTGA-3'